The following is an entry in ClinVar:

ClinVar aggregate classification (germline): Uncertain significance (1 of 4 stars; one submission).

gnomAD v4.1: 76 of 1,610,380 alleles (0.0047%); highest among the groups gnomAD compares: Non-Finnish European, 0.0059%; 1 homozygote.

Submission:

Labcorp Genetics (formerly Invitae), Labcorp
Classification: Uncertain significance. Last evaluated: 2025-02-17. Review status: criteria provided, single submitter. Criteria: Invitae Variant Classification Sherloc (09022015). Collection method: clinical testing. Allele origin: germline.
Comment: This sequence change replaces alanine, which is neutral and non-polar, with valine, which is neutral and non-polar, at codon 3393 of the LAMA5 protein (p.Ala3393Val). This variant is present in population databases (rs773233110, gnomAD 0.003%), including at least one homozygous and/or hemizygous individual. This variant has not been reported in the literature in individuals affected with LAMA5-related conditions. Invitae Evidence Modeling of protein sequence and biophysical properties (such as structural, functional, and spatial information, amino acid conservation, physicochemical variation, residue mobility, and thermodynamic stability) indicates that this missense variant is not expected to disrupt LAMA5 protein function with a negative predictive value of 80%. In summary, the available evidence is currently insufficient to determine the role of this variant in disease. Therefore, it has been classified as a Variant of Uncertain Significance.

NM_005560.6(LAMA5):c.10178C>T (p.Ala3393Val)

Gene: LAMA5 (laminin subunit alpha 5; minus strand). Cytogenetic location: 20q13.33.
Variant type: single nucleotide variant.
Coding change: c.10178C>T on transcript NM_005560.6 (MANE Select); coding-DNA position 10178, C replaced by T.
Protein change: p.Ala3393Val; replaces alanine 3393 with valine.
Molecular consequence: missense variant.
Genome position (GRCh38, 1-based): chr20:62,311,005, G>A on the plus strand (C>T on the coding strand, the complement: LAMA5 is on the minus strand). VCF-style: chr20-62311005-G-A. GRCh37 (hg19) VCF-style: chr20-60886061-G-A.
Other names: short protein forms A3393V.
Identifiers: ClinVar variation 3607572 (VCV003607572.2).